The following is an entry in ClinVar:

ClinVar aggregate classification (germline): Pathogenic (1 of 4 stars; one submission).

Conditions:
Alstrom syndrome (ALMS). Identifiers: Orphanet 64, MedGen C0268425, MONDO:0008763, OMIM 203800.

Submission:

Labcorp Genetics (formerly Invitae), Labcorp
Classification: Pathogenic for Alstrom syndrome. Last evaluated: 2023-04-16. Review status: criteria provided, single submitter. Criteria: Invitae Variant Classification Sherloc (09022015). Collection method: clinical testing. Allele origin: germline.
Comment: For these reasons, this variant has been classified as Pathogenic. Algorithms developed to predict the effect of sequence changes on RNA splicing suggest that this variant may disrupt the consensus splice site. This variant has not been reported in the literature in individuals affected with ALMS1-related conditions. This variant is not present in population databases (gnomAD no frequency). This sequence change creates a premature translational stop signal (p.His3836Argfs*8) in the ALMS1 gene. It is expected to result in an absent or disrupted protein product. Loss-of-function variants in ALMS1 are known to be pathogenic (PMID: 17594715).

Literature cited by the submitters: PubMed 17594715.

NM_001378454.1(ALMS1):c.11499_11502dup (p.His3835fs)

Gene: ALMS1 (ALMS1 centrosome and basal body associated protein; plus strand). Cytogenetic location: 2p13.1.
Variant type: Duplication.
Coding change: c.11499_11502dup on transcript NM_001378454.1 (MANE Select); coding-DNA positions 11499 to 11502, 4 bases duplicated (AGGT; older notation c.11499_11502dupAGGT).
Protein change: p.His3835fs; shifts the reading frame from histidine 3835.
Molecular consequence: frameshift variant.
Genome position (GRCh38, 1-based): chr2:73,573,376-73,573,379, AGGT duplicated. VCF-style (leftmost placement, unchanged base first): chr2-73573375-C-CAGGT. GRCh37 (hg19) VCF-style: chr2-73800502-C-CAGGT.
Other names: c.11502_11505dup, p.His3836fs (NM_015120.4); short protein forms H3836fs, H3835fs.
Identifiers: ClinVar variation 2853974 (VCV002853974.3), dbSNP rs2466448042, ClinGen allele CA2577005251.